The following is an entry in ClinVar:

NM_016203.4(PRKAG2):c.934C>T (p.Gln312Ter)

Gene: PRKAG2 (protein kinase AMP-activated non-catalytic subunit gamma 2; minus strand). Cytogenetic location: 7q36.1.
Variant type: single nucleotide variant.
Coding change: c.934C>T on transcript NM_016203.4 (MANE Select); coding-DNA position 934, C replaced by T.
Protein change: p.Gln312Ter; replaces glutamine 312 with a stop codon.
Molecular consequence: nonsense.
Genome position (GRCh38, 1-based): chr7:151,576,383, G>A on the plus strand (C>T on the coding strand, the complement: PRKAG2 is on the minus strand). VCF-style: chr7-151576383-G-A. GRCh37 (hg19) VCF-style: chr7-151273469-G-A.
Other names: c.802C>T, p.Gln268Ter (NM_001040633.2, NM_001407024.1); c.559C>T, p.Gln187Ter (NM_001304527.2, NM_001407029.1); c.211C>T, p.Gln71Ter (NM_001304531.2, NM_001407034.1, NM_001407035.1 and 1 more transcripts); c.562C>T, p.Gln188Ter (NM_001363698.2, NM_001407028.1); c.934C>T, p.Gln312Ter (NM_001407021.1); c.931C>T, p.Gln311Ter (NM_001407022.1, NM_001407023.1); c.799C>T, p.Gln267Ter (NM_001407026.1, NM_001407027.1); c.646C>T, p.Gln216Ter (NM_001407030.1); and 6 more; short protein forms Q187*, Q216*, Q267*, Q311*, Q312*, Q71*, Q204*, Q87*.
Identifiers: ClinVar variation 2744034 (VCV002744034.3), dbSNP rs890773505, ClinGen allele CA169167815.

ClinVar aggregate classification (germline): Uncertain significance (1 of 4 stars; one submission).

Conditions:
Lethal congenital glycogen storage disease of heart. Also called: PHOSPHORYLASE KINASE DEFICIENCY OF HEART; GLYCOGEN STORAGE DISEASE OF HEART. Identifiers: Orphanet 439854, MedGen C1849813, MONDO:0009867, OMIM 261740.

Allele frequency attached by ClinVar (database versions not stated): gnomAD 0.00001.
gnomAD v4.1: 1 of 1,607,766 alleles (0.000062%); highest among the groups gnomAD compares: Non-Finnish European, 0.000085%; no homozygotes.

Submission:

Labcorp Genetics (formerly Invitae), Labcorp
Classification: Uncertain significance for Lethal congenital glycogen storage disease of heart. Last evaluated: 2023-10-22. Review status: criteria provided, single submitter. Criteria: Invitae Variant Classification Sherloc (09022015). Collection method: clinical testing. Allele origin: germline.
Comment: This sequence change creates a premature translational stop signal (p.Gln312*) in the PRKAG2 gene. It is expected to result in an absent or disrupted protein product. However, the current clinical and genetic evidence is not sufficient to establish whether loss-of-function variants in PRKAG2 cause disease. This variant is not present in population databases (gnomAD no frequency). This variant has not been reported in the literature in individuals affected with PRKAG2-related conditions. In summary, the available evidence is currently insufficient to determine the role of this variant in disease. Therefore, it has been classified as a Variant of Uncertain Significance.